The following is an entry in ClinVar:

ClinVar aggregate classification (germline): Uncertain significance (1 of 4 stars; one submission).

Allele frequency attached by ClinVar (database versions not stated): ExAC 0.00001; gnomAD 0.00001; gnomAD exomes 0.00001.
gnomAD v4.1: 5 of 1,613,826 alleles (0.00031%); highest among the groups gnomAD compares: Non-Finnish European, 0.00042%; no homozygotes.

Submission:

Labcorp Genetics (formerly Invitae), Labcorp
Classification: Uncertain significance. Last evaluated: 2025-01-15. Review status: criteria provided, single submitter. Criteria: Invitae Variant Classification Sherloc (09022015). Collection method: clinical testing. Allele origin: germline.
Comment: This sequence change replaces serine, which is neutral and polar, with cysteine, which is neutral and slightly polar, at codon 443 of the TULP1 protein (p.Ser443Cys). This variant is present in population databases (rs772500923, gnomAD 0.003%). This variant has not been reported in the literature in individuals affected with TULP1-related conditions. ClinVar contains an entry for this variant (Variation ID: 1348056). Invitae Evidence Modeling of protein sequence and biophysical properties (such as structural, functional, and spatial information, amino acid conservation, physicochemical variation, residue mobility, and thermodynamic stability) has been performed for this missense variant. However, the output from this modeling did not meet the statistical confidence thresholds required to predict the impact of this variant on TULP1 protein function. In summary, the available evidence is currently insufficient to determine the role of this variant in disease. Therefore, it has been classified as a Variant of Uncertain Significance.

NM_003322.6(TULP1):c.1327A>T (p.Ser443Cys)

Gene: TULP1 (TUB like protein 1; minus strand). Cytogenetic location: 6p21.31.
Variant type: single nucleotide variant.
Coding change: c.1327A>T on transcript NM_003322.6 (MANE Select); coding-DNA position 1327, A replaced by T.
Protein change: p.Ser443Cys; replaces serine 443 with cysteine.
Molecular consequence: missense variant.
Genome position (GRCh38, 1-based): chr6:35,500,149, T>A on the plus strand (A>T on the coding strand, the complement: TULP1 is on the minus strand). VCF-style: chr6-35500149-T-A. GRCh37 (hg19) VCF-style: chr6-35467926-T-A.
Other names: c.1168A>T, p.Ser390Cys (NM_001289395.2); short protein forms S443C, S390C.
Identifiers: ClinVar variation 1348056 (VCV001348056.5), dbSNP rs772500923, ClinGen allele CA3772573.